The following is an entry in ClinVar:

ClinVar aggregate classification (germline): Conflicting classifications of pathogenicity. Review status: criteria provided, conflicting classifications (1 of 4 stars). 8 submissions from 8 submitters: Uncertain significance (1); Benign (2); Likely benign (2). 3 of the submissions do not count toward it. Last evaluated 2026-02-04.

Conditions:
Propionic acidemia (PROP). Also called: HYPERGLYCINEMIA WITH KETOACIDOSIS AND LEUKOPENIA; KETOTIC HYPERGLYCINEMIA; GLYCINEMIA, KETOTIC. Identifiers: Orphanet 35, MedGen C0268579, MONDO:0011628, OMIM 606054, HP:0003571.

Allele frequency attached by ClinVar (database versions not stated): 1000 Genomes Project 30x 0.00187; 1000 Genomes Project 0.00200; ESP Exome Variant Server 0.00200; gnomAD 0.00219 and 0.00226; ExAC 0.00238; TOPMed 0.00243; gnomAD exomes 0.00244.
gnomAD v4.1: 4,641 of 1,606,096 alleles (0.29%); highest among the groups gnomAD compares: South Asian, 0.44%; 14 homozygotes.

Submissions (8):

Labcorp Genetics (formerly Invitae), Labcorp
Classification: Benign for Propionic acidemia. Last evaluated: 2026-02-04. Review status: criteria provided, single submitter. Criteria: Invitae Variant Classification Sherloc (09022015). Collection method: clinical testing. Allele origin: germline.

CeGaT Center for Human Genetics Tuebingen
Classification: Likely benign. Last evaluated: 2025-01-01. Review status: criteria provided, single submitter. Criteria: CeGaT Center For Human Genetics Tuebingen Variant Classification Criteria Version 2. Collection method: clinical testing. Allele origin: germline. Affected: yes. Observed: 2 variant alleles.
Comment: PCCA: BP4, BP7, BS2

Mayo Clinic Laboratories, Mayo Clinic
Classification: Benign. Last evaluated: 2024-01-11. Review status: criteria provided, single submitter. Criteria: ACMG Guidelines, 2015. Collection method: clinical testing. Allele origin: germline. Observed: 6 variant alleles.
Comment: BS1, BS2, BP4, BP7

GeneDx
Classification: Likely benign. Last evaluated: 2021-04-26. Review status: criteria provided, single submitter. Criteria: GeneDx Variant Classification Process June 2021. Collection method: clinical testing. Allele origin: germline. Affected: yes.
Comment: This variant is associated with the following publications: (PMID: 28726123)

Illumina Laboratory Services, Illumina
Classification: Uncertain significance for Propionic acidemia. Last evaluated: 2018-01-13. Review status: criteria provided, single submitter. Criteria: ICSL Variant Classification Criteria 13 December 2019. Collection method: clinical testing. Allele origin: germline.

Natera, Inc.
Classification: Benign for Propionic acidemia. Last evaluated: 2019-10-21. Review status: no assertion criteria provided. Collection method: clinical testing. Allele origin: germline. Not counted in ClinVar's aggregate classification.

Clinical Genetics DNA and cytogenetics Diagnostics Lab, Erasmus MC, Erasmus Medical Center
Classification: Likely benign. Review status: no assertion criteria provided. Collection method: clinical testing. Allele origin: germline. Affected: yes. Study: VKGL Data-share Consensus. Not counted in ClinVar's aggregate classification.

Genome Diagnostics Laboratory, University Medical Center Utrecht
Classification: Likely benign. Review status: no assertion criteria provided. Collection method: clinical testing. Allele origin: germline. Affected: yes. Study: VKGL Data-share Consensus. Not counted in ClinVar's aggregate classification.

Literature cited by the submitters: PubMed 28726123 (cited by Mayo Clinic Laboratories, Mayo Clinic).

NM_000282.4(PCCA):c.1236A>G (p.Pro412=)

Gene: PCCA (propionyl-CoA carboxylase subunit alpha; plus strand). Cytogenetic location: 13q32.3.
Variant type: single nucleotide variant.
Coding change: c.1236A>G on transcript NM_000282.4 (MANE Select); coding-DNA position 1236, A replaced by G.
Protein change: p.Pro412=; no amino-acid change (proline 412 retained).
Molecular consequence: synonymous variant. On other transcripts: non-coding transcript variant (5).
Genome position (GRCh38, 1-based): chr13:100,302,950, A>G. VCF-style: chr13-100302950-A-G. GRCh37 (hg19) VCF-style: chr13-100955204-A-G.
Other names: p.Pro412=; c.1158A>G, p.Pro386= (NM_001127692.3, NM_001352607.2); c.1236A>G, p.Pro412= (NM_001178004.2, NM_001352605.2, NM_001352609.2); c.1092A>G, p.Pro364= (NM_001352606.2); c.1014A>G, p.Pro338= (NM_001352608.2); c.291A>G, p.Pro97= (NM_001352610.2, NM_001352611.2); c.147A>G, p.Pro49= (NM_001352612.2).
Identifiers: ClinVar variation 310847 (VCV000310847.48), dbSNP rs41281120, ClinGen allele CA7033551.
Genomic context (GRCh38, chr13:100,302,950, plus strand): 5'-CAAAGACTGTGCTTCCTTTCCTTTGAACTTTCAGGACCCCTACAAGTCTTTTGGTTTACC[A>G]TCTATTGGGAGATTGTCTCAGTACCAAGAACCGTTACATCTACCTGGTGTAAGTCATTAA-3'
Protein context (NP_000273.2, residues 402-422): AEDPYKSFGL[Pro412=]SIGRLSQYQE